The following is an entry in ClinVar:

NM_001365088.1(SLC12A6):c.1763_1764del (p.Leu588fs)

Gene: SLC12A6 (solute carrier family 12 member 6; minus strand). Cytogenetic location: 15q14.
Variant type: Deletion.
Coding change: c.1763_1764del on transcript NM_001365088.1 (MANE Select); coding-DNA positions 1763 to 1764, 2 bases deleted (TC; older notation c.1763_1764delTC).
Protein change: p.Leu588fs; shifts the reading frame from leucine 588.
Molecular consequence: frameshift variant.
Genome position (GRCh38, 1-based): chr15:34,245,753-34,245,754, GA deleted on the plus strand (TC on the coding strand, the reverse complement: SLC12A6 is on the minus strand); deleting any 2 consecutive bases within chr15:34,245,753-34,245,755 gives the same sequence; the c. name uses the placement nearest the transcript's 3' end. VCF-style (leftmost placement, unchanged base first): chr15-34245752-TGA-T. GRCh37 (hg19) VCF-style: chr15-34537953-TGA-T.
Other names: c.1586_1587del, p.Leu529fs (NM_001042494.2, NM_001042495.2); c.1736_1737del, p.Leu579fs (NM_001042496.2); c.1718_1719del, p.Leu573fs (NM_001042497.2); c.1610_1611del, p.Leu537fs (NM_005135.2); c.1763_1764del, p.Leu588fs (NM_133647.2); short protein forms L529fs, L537fs, L573fs, L579fs, L588fs.
Identifiers: ClinVar variation 5015811 (VCV005015811.1).

ClinVar aggregate classification (germline): Pathogenic (1 of 4 stars; one submission).

Conditions:
Agenesis of the corpus callosum with peripheral neuropathy (ACCPN). Also called: CHARLEVOIX DISEASE; POLYNEUROPATHY, SENSORIMOTOR, WITH OR WITHOUT AGENESIS OF THE CORPUS CALLOSUM; HMSN/ACC; Hereditary Motor and Sensory Neuropathy with Agenesis of the Corpus Callosum. Identifiers: Orphanet 1496, MedGen C0795950, MONDO:0000902, OMIM 218000. Disease mechanism: loss of function.

Submission:

Myriad Genetics, Inc.
Classification: Pathogenic for Agenesis of the corpus callosum with peripheral neuropathy. Last evaluated: 2026-04-19. Review status: criteria provided, single submitter. Criteria: Myriad Autosomal Dominant, Autosomal Recessive and X-Linked Classification Criteria (2023). Collection method: clinical testing. Allele origin: unknown.
Comment: NM_133647.1(SLC12A6):c.1763_1764delTC(L588Hfs*14) is expected to be pathogenic in the context of Andermann syndrome. This variant is predicted to lead to an abnormal or absent protein product due to the creation of a premature termination codon in SLC12A6, a gene where loss-of-function variants are known to be pathogenic. Please note: this variant was assessed in the context of healthy population screening.